The following is an entry in ClinVar:

NM_032776.3(JMJD1C):c.3194A>G (p.Lys1065Arg)

Gene: JMJD1C (jumonji domain containing 1C; minus strand). Cytogenetic location: 10q21.3.
Variant type: single nucleotide variant.
Coding change: c.3194A>G on transcript NM_032776.3 (MANE Select); coding-DNA position 3194, A replaced by G.
Protein change: p.Lys1065Arg; replaces lysine 1065 with arginine.
Molecular consequence: missense variant. On other transcripts: non-coding transcript variant (1).
Genome position (GRCh38, 1-based): chr10:63,208,475, T>C on the plus strand (A>G on the coding strand, the complement: JMJD1C is on the minus strand). VCF-style: chr10-63208475-T-C. GRCh37 (hg19) VCF-style: chr10-64968235-T-C.
Other names: c.2648A>G, p.Lys883Arg (NM_001282948.2, NM_001318154.2); c.2330A>G, p.Lys777Arg (NM_001318153.2); c.3080A>G, p.Lys1027Arg (NM_001322252.2); c.2537A>G, p.Lys846Arg (NM_001322254.2, NM_001322258.2); c.3194A>G (NM_032776.1); short protein forms K777R, K1027R, K1065R, K846R, K883R.
Identifiers: ClinVar variation 862418 (VCV000862418.10), dbSNP rs757312471, ClinGen allele CA5518474.

ClinVar aggregate classification (germline): Uncertain significance. Review status: criteria provided, multiple submitters, no conflicts (2 of 4 stars). 2 submissions from 2 submitters: Uncertain significance (2). Last evaluated 2024-07-27.

Conditions:
Early Myoclonic Encephalopathy. Identifiers: MedGen C0270855.

Allele frequency attached by ClinVar (database versions not stated): ExAC 0.00001; gnomAD exomes 0.00001; TOPMed 0.00001.
gnomAD v4.1: 4 of 1,613,642 alleles (0.00025%); highest among the groups gnomAD compares: Admixed American, 0.0067%; no homozygotes.

Submissions (2):

Ambry Genetics
Classification: Uncertain significance. Last evaluated: 2024-07-27. Review status: criteria provided, single submitter. Criteria: Ambry Variant Classification Scheme 2023. Collection method: clinical testing. Allele origin: germline.

Labcorp Genetics (formerly Invitae), Labcorp
Classification: Uncertain significance for Early Myoclonic Encephalopathy. Last evaluated: 2019-05-11. Review status: criteria provided, single submitter. Criteria: Invitae Variant Classification Sherloc (09022015). Collection method: clinical testing. Allele origin: germline.
Comment: In summary, the available evidence is currently insufficient to determine the role of this variant in disease. Therefore, it has been classified as a Variant of Uncertain Significance. Algorithms developed to predict the effect of missense changes on protein structure and function are either unavailable or do not agree on the potential impact of this missense change (SIFT: "Tolerated"; PolyPhen-2: "Probably Damaging"; Align-GVGD: "Class C0"). This variant has not been reported in the literature in individuals with JMJD1C-related conditions. This variant is present in population databases (rs757312471, ExAC 0.009%). This sequence change replaces lysine with arginine at codon 1065 of the JMJD1C protein (p.Lys1065Arg). The lysine residue is moderately conserved and there is a small physicochemical difference between lysine and arginine.